The following is an entry in ClinVar:

NM_001378030.1(CCDC78):c.1015G>A (p.Val339Met)

Gene: CCDC78 (coiled-coil domain containing 78; minus strand). Cytogenetic location: 16p13.3.
Variant type: single nucleotide variant.
Coding change: c.1015G>A on transcript NM_001378030.1 (MANE Select); coding-DNA position 1015, G replaced by A.
Protein change: p.Val339Met; replaces valine 339 with methionine.
Molecular consequence: missense variant. On other transcripts: non-coding transcript variant (5), intron variant (1).
Genome position (GRCh38, 1-based): chr16:724,144, C>T on the plus strand (G>A on the coding strand, the complement: CCDC78 is on the minus strand). VCF-style: chr16-724144-C-T. GRCh37 (hg19) VCF-style: chr16-774144-C-T.
Other names: c.1015G>A, p.Val339Met (NM_001031737.3); c.448G>A, p.Val150Met (NM_001378033.1); c.953+178G>A (NM_001378031.1); short protein forms V150M, V339M.
Identifiers: ClinVar variation 2439801 (VCV002439801.5), dbSNP rs759037918, ClinGen allele CA7789305.

ClinVar aggregate classification (germline): Uncertain significance. Review status: criteria provided, multiple submitters, no conflicts (2 of 4 stars). 2 submissions from 2 submitters: Uncertain significance (2). Last evaluated 2024-05-06.

Conditions:
Congenital myopathy with internal nuclei and atypical cores. Also called: Myopathy, centronuclear, 4. Identifiers: Orphanet 319160, MedGen C4707232, MONDO:0013890, OMIM 614807.

Allele frequency attached by ClinVar (database versions not stated): ExAC 0.00001; gnomAD 0.00001; TOPMed 0.00001.

Submissions (2):

Labcorp Genetics (formerly Invitae), Labcorp
Classification: Uncertain significance for Congenital myopathy with internal nuclei and atypical cores. Last evaluated: 2024-05-06. Review status: criteria provided, single submitter. Criteria: Invitae Variant Classification Sherloc (09022015). Collection method: clinical testing. Allele origin: germline.
Comment: This sequence change replaces valine, which is neutral and non-polar, with methionine, which is neutral and non-polar, at codon 339 of the CCDC78 protein (p.Val339Met). This variant is present in population databases (rs759037918, gnomAD 0.01%). This variant has not been reported in the literature in individuals affected with CCDC78-related conditions. ClinVar contains an entry for this variant (Variation ID: 2439801). Advanced modeling of protein sequence and biophysical properties (such as structural, functional, and spatial information, amino acid conservation, physicochemical variation, residue mobility, and thermodynamic stability) performed at Invitae indicates that this missense variant is not expected to disrupt CCDC78 protein function with a negative predictive value of 80%. In summary, the available evidence is currently insufficient to determine the role of this variant in disease. Therefore, it has been classified as a Variant of Uncertain Significance.

Revvity Omics, Revvity
Classification: Uncertain significance for Congenital myopathy with internal nuclei and atypical cores. Last evaluated: 2021-02-23. Review status: criteria provided, single submitter. Criteria: ACMG Guidelines, 2015. Collection method: clinical testing. Allele origin: germline.